The following is an entry in ClinVar:

ClinVar aggregate classification (germline): Pathogenic. Review status: criteria provided, single submitter (1 of 4 stars). 2 submissions from 2 submitters: Pathogenic (1). 1 of the submissions does not count toward it. Last evaluated 2025-10-02.

Conditions:
Factor H deficiency (CFHD). Also called: CFH DEFICIENCY; COMPLEMENT FACTOR H DEFICIENCY. Identifiers: Orphanet 200421, MedGen C0398777, MONDO:0012350, OMIM 609814.

gnomAD v4.1: 1 of 1,612,518 alleles (0.000062%); highest among the groups gnomAD compares: Non-Finnish European, 0.000085%; no homozygotes.

Submissions (2):

Genomenon, Inc
Classification: Pathogenic for Factor H deficiency. Last evaluated: 2025-10-02. Review status: criteria provided, single submitter. Criteria: Genomenon Sequence Variant Interpretation Standards - Updated. Collection method: curation. Allele origin: germline. Affected: yes.
Comment: CFH p.Glu189Ter (c.565G>T) is a nonsense variant that introduces a premature stop codon at amino acid position 189, creating a truncated protein that is predicted to undergo nonsense-mediated mRNA decay. This variant has been observed in at least one proband affected with complement factor H deficiency (PMID:10803850). The variant was found to segregate with disease in at least one affected family (PMID:10803850). It is absent or not present at a significant frequency in gnomAD. In conclusion, we classify CFH p.Glu189Ter (c.565G>T) as a pathogenic variant.

OMIM
Classification: Pathogenic for COMPLEMENT FACTOR H DEFICIENCY. Last evaluated: 2000-04-01. Review status: no assertion criteria provided. Collection method: literature only. Allele origin: germline. Not counted in ClinVar's aggregate classification.

Literature cited by the submitters: PubMed 10803850 (cited by Genomenon, Inc and OMIM); PubMed 2966809 (cited by OMIM); Misiano, G., Soames, C. J., Fontaine, M., Accardo, P., Sim, R. B., Brai, M. Expression of H-related gene products in a factor H deficient family. (Abstract) Molec. Immun. 30 (suppl. 1): 33-only, 1993. (cited by OMIM).

NM_000186.4(CFH):c.565G>T (p.Glu189Ter)

Gene: CFH (complement factor H; plus strand). Cytogenetic location: 1q31.3.
Variant type: single nucleotide variant.
Coding change: c.565G>T on transcript NM_000186.4 (MANE Select); coding-DNA position 565, G replaced by T.
Protein change: p.Glu189Ter; replaces glutamic acid 189 with a stop codon.
Molecular consequence: nonsense.
Genome position (GRCh38, 1-based): chr1:196,677,613, G>T. VCF-style: chr1-196677613-G-T. GRCh37 (hg19) VCF-style: chr1-196646743-G-T.
Other names: c.565G>T, p.Glu189Ter (NM_001014975.3); short protein forms E189*.
Identifiers: ClinVar variation 16547 (VCV000016547.2), dbSNP rs121913054, ClinGen allele CA257500.